The following is an entry in ClinVar:

NM_001148.6(ANK2):c.10531C>T (p.Leu3511=)

Gene: ANK2 (ankyrin 2; plus strand). Cytogenetic location: 4q26.
Variant type: single nucleotide variant.
Coding change: c.10531C>T on transcript NM_001148.6 (MANE Select); coding-DNA position 10531, C replaced by T.
Protein change: p.Leu3511=; no amino-acid change (leucine 3511 retained).
Molecular consequence: synonymous variant. On other transcripts: intron variant (68).
Genome position (GRCh38, 1-based): chr4:113,359,149, C>T. VCF-style: chr4-113359149-C-T. GRCh37 (hg19) VCF-style: chr4-114280305-C-T.
Other names: c.10297C>T, p.Leu3433= (NM_001386142.1); c.6931C>T, p.Leu2311= (NM_001386166.1); c.10672C>T, p.Leu3558= (NM_001386174.1); c.10648C>T, p.Leu3550= (NM_001386175.1); c.4412-1674C>T (NM_001386186.2, NM_001386148.2); c.4214-1674C>T (NM_001354269.3); c.4292-1674C>T (NM_001386187.2); c.4253-1674C>T (NM_001386147.1); and 36 more.
Identifiers: ClinVar variation 347344 (VCV000347344.65), dbSNP rs148462839, ClinGen allele CA3052082.

ClinVar aggregate classification (germline): Conflicting classifications of pathogenicity. Review status: criteria provided, conflicting classifications (1 of 4 stars). 10 submissions from 10 submitters: Uncertain significance (1); Benign (1); Likely benign (7). 1 of the submissions does not count toward it. Last evaluated 2026-02-01.

Conditions:
Cardiovascular phenotype. Identifiers: MedGen CN230736.
Long QT syndrome (LQTS). Identifiers: MedGen C0023976, MeSH D008133, MONDO:0002442. Disease mechanism: loss of function. Inheritance: Various modes of inheritance.
ANK2-related disorder. Also called: ANK2-related condition.
Cardiac arrhythmia, ankyrin-B-related. Also called: ANKYRIN-B SYNDROME. Identifiers: Orphanet 101016, Orphanet 768, MedGen C1970119, MONDO:0010958, OMIM 600919.

Allele frequency attached by ClinVar (database versions not stated): 1000 Genomes Project 30x 0.00016; 1000 Genomes Project 0.00020; gnomAD 0.00022; ExAC 0.00026; TOPMed 0.00036; ESP Exome Variant Server 0.00038.
gnomAD v4.1: 848 of 1,613,630 alleles (0.053%); highest among the groups gnomAD compares: Non-Finnish European, 0.066%; 1 homozygote.

Submissions (10):

CeGaT Center for Human Genetics Tuebingen
Classification: Likely benign. Last evaluated: 2026-02-01. Review status: criteria provided, single submitter. Criteria: CeGaT Center For Human Genetics Tuebingen Variant Classification Criteria Version 2. Collection method: clinical testing. Allele origin: germline. Affected: yes. Observed: 2 variant alleles.
Comment: ANK2: BP4

Labcorp Genetics (formerly Invitae), Labcorp
Classification: Likely benign for Long QT syndrome. Last evaluated: 2026-01-26. Review status: criteria provided, single submitter. Criteria: Invitae Variant Classification Sherloc (09022015). Collection method: clinical testing. Allele origin: germline.

Molecular Diagnostic Laboratory for Inherited Cardiovascular Disease, Montreal Heart Institute
Classification: Likely benign. Last evaluated: 2025-04-09. Review status: criteria provided, single submitter. Criteria: ACMG Guidelines, 2015. Collection method: clinical testing. Allele origin: germline. Affected: no.

Blueprint Genetics
Classification: Likely benign. Last evaluated: 2024-10-21. Review status: criteria provided, single submitter. Criteria: ACMG Guidelines, 2015. Collection method: clinical testing. Allele origin: germline.

Women's Health and Genetics/Laboratory Corporation of America, LabCorp
Classification: Benign. Last evaluated: 2022-08-20. Review status: criteria provided, single submitter. Criteria: LabCorp Variant Classification Summary - May 2015. Collection method: clinical testing. Allele origin: germline.

GeneDx
Classification: Likely benign. Last evaluated: 2021-10-04. Review status: criteria provided, single submitter. Criteria: GeneDx Variant Classification Process June 2021. Collection method: clinical testing. Allele origin: germline. Affected: yes.

ARUP Laboratories, Molecular Genetics and Genomics, ARUP Laboratories
Classification: Likely benign. Last evaluated: 2020-01-16. Review status: criteria provided, single submitter. Criteria: ARUP Molecular Germline Variant Investigation Process. Collection method: clinical testing. Allele origin: germline.

Illumina Laboratory Services, Illumina
Classification: Uncertain significance for Cardiac arrhythmia, ankyrin-B-related. Last evaluated: 2018-01-12. Review status: criteria provided, single submitter. Criteria: ICSL Variant Classification Criteria 13 December 2019. Collection method: clinical testing. Allele origin: germline.

Ambry Genetics
Classification: Likely benign for Cardiovascular phenotype. Last evaluated: 2017-09-27. Review status: criteria provided, single submitter. Criteria: Ambry Variant Classification Scheme 2023. Collection method: clinical testing. Allele origin: germline.

PreventionGenetics, part of Exact Sciences
Classification: Likely benign for ANK2-related condition. Last evaluated: 2019-03-05. Review status: no assertion criteria provided. Collection method: clinical testing. Allele origin: germline. Not counted in ClinVar's aggregate classification.
Comment: This variant is classified as likely benign based on ACMG/AMP sequence variant interpretation guidelines (Richards et al. 2015 PMID: 25741868, with internal and published modifications).